The following is an entry in ClinVar:

NM_001007553.3(CSDE1):c.762T>G (p.Ile254Met)

Gene: CSDE1 (cold shock domain containing E1; minus strand). Cytogenetic location: 1p13.2.
Variant type: single nucleotide variant.
Coding change: c.762T>G on transcript NM_001007553.3 (MANE Select); coding-DNA position 762, T replaced by G.
Protein change: p.Ile254Met; replaces isoleucine 254 with methionine.
Molecular consequence: missense variant.
Genome position (GRCh38, 1-based): chr1:114,733,807, A>C on the plus strand (T>G on the coding strand, the complement: CSDE1 is on the minus strand). VCF-style: chr1-114733807-A-C. GRCh37 (hg19) VCF-style: chr1-115276428-A-C.
Other names: c.807T>G, p.Ile269Met (NM_001130523.3); c.900T>G, p.Ile300Met (NM_001242891.2); c.762T>G, p.Ile254Met (NM_001242892.2); c.669T>G, p.Ile223Met (NM_001242893.2, NM_007158.6); short protein forms I269M, I300M, I223M, I254M.
Identifiers: ClinVar variation 4055972 (VCV004055972.1).

ClinVar aggregate classification (germline): Uncertain significance (1 of 4 stars; one submission).

Submission:

GeneDx
Classification: Uncertain significance. Last evaluated: 2025-01-04. Review status: criteria provided, single submitter. Criteria: GeneDx Variant Classification Process June 2021. Collection method: clinical testing. Allele origin: germline. Affected: yes.
Comment: Not observed at significant frequency in large population cohorts (gnomAD); In silico analysis indicates that this missense variant does not alter protein structure/function; Has not been previously published as pathogenic or benign to our knowledge